The following is an entry in ClinVar:

ClinVar aggregate classification (germline): Likely benign (0 of 4 stars; one submission).

Conditions:
LRPPRC-related disorder. Also called: LRPPRC-related condition.

Allele frequency attached by ClinVar (database versions not stated): ExAC 0.00001; gnomAD exomes 0.00001.
gnomAD v4.1: 3 of 1,608,514 alleles (0.00019%); highest among the groups gnomAD compares: Non-Finnish European, 0.00026%; no homozygotes.

Submission:

PreventionGenetics, part of Exact Sciences
Classification: Likely benign for LRPPRC-related condition. Last evaluated: 2023-04-07. Review status: no assertion criteria provided. Collection method: clinical testing. Allele origin: germline.
Comment: This variant is classified as likely benign based on ACMG/AMP sequence variant interpretation guidelines (Richards et al. 2015 PMID: 25741868, with internal and published modifications).

NM_133259.4(LRPPRC):c.3249T>C (p.Phe1083=)

Gene: LRPPRC (leucine rich pentatricopeptide repeat containing; minus strand). Cytogenetic location: 2p21.
Variant type: single nucleotide variant.
Coding change: c.3249T>C on transcript NM_133259.4 (MANE Select); coding-DNA position 3249, T replaced by C.
Protein change: p.Phe1083=; no amino-acid change (phenylalanine 1083 retained).
Molecular consequence: synonymous variant.
Genome position (GRCh38, 1-based): chr2:43,912,458, A>G on the plus strand (T>C on the coding strand, the complement: LRPPRC is on the minus strand). VCF-style: chr2-43912458-A-G. GRCh37 (hg19) VCF-style: chr2-44139597-A-G.
Identifiers: ClinVar variation 3052563 (VCV003052563.2), dbSNP rs745437035, ClinGen allele CA1638142.